The following is an entry in ClinVar:

ClinVar aggregate classification (germline): Uncertain significance (1 of 4 stars; one submission).

Submission:

Labcorp Genetics (formerly Invitae), Labcorp
Classification: Uncertain significance. Last evaluated: 2021-06-19. Review status: criteria provided, single submitter. Criteria: Invitae Variant Classification Sherloc (09022015). Collection method: clinical testing. Allele origin: germline.
Comment: This variant is a gross deletion of the genomic region encompassing exon(s) 2-6 of the JAK1 gene, which includes the initiator codon. The 5' end of this event is unknown as it extends beyond the assayed region for this gene and therefore may encompass additional genes. The 3' boundary is likely confined to intron 6 of the JAK1 gene. It is expected to result in an absent or disrupted protein product. However, the current clinical and genetic evidence is not sufficient to establish whether loss-of-function variants in JAK1 cause disease. This variant has not been reported in the literature in individuals with JAK1-related conditions. In summary, the available evidence is currently insufficient to determine the role of this variant in disease. Therefore, it has been classified as a Variant of Uncertain Significance.

NC_000001.10:g.(?_65334974)_(65351947_?)del

Gene: JAK1 (Janus kinase 1; minus strand). Cytogenetic location: 1p31.3.
Variant type: Deletion.
Identifiers: ClinVar variation 1497375 (VCV001497375.4).